The following is an entry in ClinVar:

NM_000141.5(FGFR2):c.1565A>T (p.Asp522Val)

Gene: FGFR2 (fibroblast growth factor receptor 2; minus strand). Cytogenetic location: 10q26.13.
Variant type: single nucleotide variant.
Coding change: c.1565A>T on transcript NM_000141.5 (MANE Select); coding-DNA position 1565, A replaced by T.
Protein change: p.Asp522Val; replaces aspartic acid 522 with valine.
Molecular consequence: missense variant. On other transcripts: non-coding transcript variant (1).
Genome position (GRCh38, 1-based): chr10:121,498,602, T>A on the plus strand (A>T on the coding strand, the complement: FGFR2 is on the minus strand). VCF-style: chr10-121498602-T-A. GRCh37 (hg19) VCF-style: chr10-123258116-T-A.
Other names: c.1568A>T, p.Asp523Val (NM_001144913.1, NM_022970.4); c.1229A>T, p.Asp410Val (NM_001144914.1); c.1298A>T, p.Asp433Val (NM_001144915.2, NM_023029.3); c.1220A>T, p.Asp407Val (NM_001144916.2); c.1217A>T, p.Asp406Val (NM_001144917.2); c.1214A>T, p.Asp405Val (NM_001144918.2); c.1301A>T, p.Asp434Val (NM_001144919.2); c.881A>T, p.Asp294Val (NM_001320654.2); and 1 more; short protein forms D294V, D405V, D406V, D407V, D410V, D433V, D434V, D520V.
Identifiers: ClinVar variation 1679479 (VCV001679479.7), dbSNP rs756076618, ClinGen allele CA5720694.

ClinVar aggregate classification (germline): Uncertain significance (1 of 4 stars; one submission).

Allele frequency attached by ClinVar (database versions not stated): TOPMed 0.00001; gnomAD exomes 0.00003 and 0.00009; ExAC 0.00016.
gnomAD v4.1: 22 of 1,613,930 alleles (0.0014%); highest among the groups gnomAD compares: Admixed American, 0.03%; no homozygotes.

Submission:

ARUP Laboratories, Molecular Genetics and Genomics, ARUP Laboratories
Classification: Uncertain significance. Last evaluated: 2022-01-26. Review status: criteria provided, single submitter. Criteria: ARUP Molecular Germline Variant Investigation Process 2021. Collection method: clinical testing. Allele origin: germline.
Comment: The FGFR2 c.1565A>T; p.Asp522Val variant (rs756076618), to our knowledge, is not reported in the medical literature or gene specific databases. This variant is found in the Latino population with an allele frequency of 0.040% (14/34592 alleles) in the Genome Aggregation Database. The aspartate at codon 522 is highly conserved, and computational analyses predict that this variant is deleterious (REVEL: 0.829). Due to limited information, the clinical significance of this variant is uncertain at this time.